The following is an entry in ClinVar:

NM_001042681.2(RERE):c.1759G>T (p.Gly587Cys)

Gene: RERE (arginine-glutamic acid dipeptide repeats; minus strand). Cytogenetic location: 1p36.23.
Variant type: single nucleotide variant.
Coding change: c.1759G>T on transcript NM_001042681.2 (MANE Select); coding-DNA position 1759, G replaced by T.
Protein change: p.Gly587Cys; replaces glycine 587 with cysteine.
Molecular consequence: missense variant.
Genome position (GRCh38, 1-based): chr1:8,362,826, C>A on the plus strand (G>T on the coding strand, the complement: RERE is on the minus strand). VCF-style: chr1-8362826-C-A. GRCh37 (hg19) VCF-style: chr1-8422886-C-A.
Other names: c.97G>T, p.Gly33Cys (NM_001042682.2); c.1759G>T, p.Gly587Cys (NM_012102.4); c.1759G>T (NM_012102.3); short protein forms G587C, G33C.
Identifiers: ClinVar variation 1967295 (VCV001967295.6), dbSNP rs1400760629, ClinGen allele CA338174054.

ClinVar aggregate classification (germline): Uncertain significance. Review status: criteria provided, multiple submitters, no conflicts (2 of 4 stars). 2 submissions from 2 submitters: Uncertain significance (2). Last evaluated 2025-07-14.

Conditions:
Inborn genetic diseases. Identifiers: MedGen C0950123, MeSH D030342.

Allele frequency attached by ClinVar (database versions not stated): gnomAD exomes 0.00001; gnomAD 0.00002.
gnomAD v4.1: 11 of 1,613,312 alleles (0.00068%); highest among the groups gnomAD compares: Admixed American, 0.01%; no homozygotes.

Submissions (2):

Ambry Genetics
Classification: Uncertain significance for Inborn genetic diseases. Last evaluated: 2025-07-14. Review status: criteria provided, single submitter. Criteria: Ambry Variant Classification Scheme 2023. Collection method: clinical testing. Allele origin: germline.

Labcorp Genetics (formerly Invitae), Labcorp
Classification: Uncertain significance. Last evaluated: 2022-08-01. Review status: criteria provided, single submitter. Criteria: Invitae Variant Classification Sherloc (09022015). Collection method: clinical testing. Allele origin: germline.
Comment: This sequence change replaces glycine, which is neutral and non-polar, with cysteine, which is neutral and slightly polar, at codon 587 of the RERE protein (p.Gly587Cys). Advanced modeling of protein sequence and biophysical properties (such as structural, functional, and spatial information, amino acid conservation, physicochemical variation, residue mobility, and thermodynamic stability) performed at Invitae indicates that this missense variant is expected to disrupt RERE protein function. This variant has not been reported in the literature in individuals affected with RERE-related conditions. The frequency data for this variant in the population databases is considered unreliable, as metrics indicate poor data quality at this position in the gnomAD database. In summary, the available evidence is currently insufficient to determine the role of this variant in disease. Therefore, it has been classified as a Variant of Uncertain Significance.